The following is an entry in ClinVar:

ClinVar aggregate classification (germline): Conflicting classifications of pathogenicity. Review status: criteria provided, conflicting classifications (1 of 4 stars). 10 submissions from 10 submitters: Uncertain significance (4); Likely benign (5). 1 of the submissions does not count toward it. Last evaluated 2026-01-28.

Conditions:
POMT2-related disorder. Also called: POMT2-related condition.
Muscular dystrophy-dystroglycanopathy (congenital with brain and eye anomalies), type A2. Also called: WALKER-WARBURG SYNDROME OR MUSCLE-EYE-BRAIN DISEASE, POMT2-RELATED; MUSCULAR DYSTROPHY-DYSTROGLYCANOPATHY (CONGENITAL WITH BRAIN AND EYE ANOMALIES), TYPE A, 2. Identifiers: Orphanet 588, Orphanet 899, MedGen C3150411, MONDO:0013154, OMIM 613150.
Muscular dystrophy-dystroglycanopathy (congenital with impaired intellectual development), type B, 2. Also called: MUSCULAR DYSTROPHY, CONGENITAL, POMT2-RELATED; Muscular dystrophy-dystroglycanopathy (congenital with intellectual disability), type B2. Identifiers: MedGen C3150416, MONDO:0013160, OMIM 613156.
Autosomal recessive limb-girdle muscular dystrophy type 2N. Also called: MUSCULAR DYSTROPHY-DYSTROGLYCANOPATHY, LIMB-GIRDLE, POMT2-RELATED; Muscular dystrophy-dystroglycanopathy (limb-girdle), type C, 2. Identifiers: Orphanet 206559, MedGen C3150418, MONDO:0013162, OMIM 613158.
Muscular dystrophy-dystroglycanopathy (congenital with brain and eye anomalies), type A1 (MDDGA1). Also called: COD-MD SYNDROME; WALKER-WARBURG SYNDROME OR MUSCLE-EYE-BRAIN DISEASE, POMT1-RELATED; Hydrocephalus, agyria and retinal dysplasia; Hard +/- E syndrome; Warburg syndrome; Chemke syndrome. Identifiers: Orphanet 588, Orphanet 899, MedGen C4284790, MONDO:0009364, OMIM 236670.

Allele frequency attached by ClinVar (database versions not stated): 1000 Genomes Project 0.00040; ExAC 0.00036; 1000 Genomes Project 30x 0.00047; ESP Exome Variant Server 0.00049; TOPMed 0.00084.
gnomAD v4.1: 1,809 of 1,546,362 alleles (0.12%); highest among the groups gnomAD compares: Non-Finnish European, 0.14%; 3 homozygotes.

Submissions (10):

Labcorp Genetics (formerly Invitae), Labcorp
Classification: Likely benign for Muscular dystrophy-dystroglycanopathy (congenital with impaired intellectual development), type B, 2; Muscular dystrophy-dystroglycanopathy (congenital with brain and eye anomalies), type A2; Autosomal recessive limb-girdle muscular dystrophy type 2N. Last evaluated: 2026-01-28. Review status: criteria provided, single submitter. Criteria: Invitae Variant Classification Sherloc (09022015). Collection method: clinical testing. Allele origin: germline.

CeGaT Center for Human Genetics Tuebingen
Classification: Likely benign. Last evaluated: 2025-11-01. Review status: criteria provided, single submitter. Criteria: CeGaT Center For Human Genetics Tuebingen Variant Classification Criteria Version 2. Collection method: clinical testing. Allele origin: germline. Affected: yes. Observed: 5 variant alleles.
Comment: POMT2: BP4

Mayo Clinic Laboratories, Mayo Clinic
Classification: Likely benign. Last evaluated: 2025-02-24. Review status: criteria provided, single submitter. Criteria: ACMG Guidelines, 2015. Collection method: clinical testing. Allele origin: germline. Observed: 3 variant alleles.
Comment: BS1, BP4

Blueprint Genetics
Classification: Likely benign. Last evaluated: 2024-11-18. Review status: criteria provided, single submitter. Criteria: ACMG Guidelines, 2015. Collection method: clinical testing. Allele origin: germline.

GeneDx
Classification: Uncertain significance. Last evaluated: 2024-02-14. Review status: criteria provided, single submitter. Criteria: GeneDx Variant Classification Process June 2021. Collection method: clinical testing. Allele origin: germline. Affected: yes.
Comment: In silico analysis supports that this missense variant does not alter protein structure/function; This variant is associated with the following publications: (PMID: 23699601, 22885699, 30564623, 17923109, 29778030)

Athena Diagnostics
Classification: Likely benign. Last evaluated: 2019-09-12. Review status: criteria provided, single submitter. Criteria: Athena Diagnostics criteria. Collection method: clinical testing. Allele origin: unknown.

Fulgent Genetics
Classification: Uncertain significance for Muscular dystrophy-dystroglycanopathy (congenital with brain and eye anomalies), type A1; Muscular dystrophy-dystroglycanopathy (congenital with brain and eye anomalies), type A2; Muscular dystrophy-dystroglycanopathy (congenital with impaired intellectual development), type B, 2; Autosomal recessive limb-girdle muscular dystrophy type 2N. Last evaluated: 2018-10-31. Review status: criteria provided, single submitter. Criteria: ACMG Guidelines, 2015. Collection method: clinical testing. Allele origin: unknown.

Illumina Laboratory Services, Illumina
Classification: Uncertain significance for Autosomal recessive limb-girdle muscular dystrophy type 2N. Last evaluated: 2018-01-12. Review status: criteria provided, single submitter. Criteria: ICSL Variant Classification Criteria 13 December 2019. Collection method: clinical testing. Allele origin: germline.

Eurofins Ntd Llc (ga)
Classification: Uncertain significance. Last evaluated: 2017-11-10. Review status: criteria provided, single submitter. Criteria: EGL Classification Definitions 2015. Collection method: clinical testing. Allele origin: germline. Observed: 10 variant alleles, 10 heterozygotes.

PreventionGenetics, part of Exact Sciences
Classification: Likely benign for POMT2-related condition. Last evaluated: 2023-11-08. Review status: no assertion criteria provided. Collection method: clinical testing. Allele origin: germline. Not counted in ClinVar's aggregate classification.
Comment: This variant is classified as likely benign based on ACMG/AMP sequence variant interpretation guidelines (Richards et al. 2015 PMID: 25741868, with internal and published modifications).

Literature cited by the submitters: PubMed 29778030 (cited by Mayo Clinic Laboratories, Mayo Clinic).

NM_013382.7(POMT2):c.232G>C (p.Glu78Gln)

Gene: POMT2 (protein O-mannosyltransferase 2; minus strand). Cytogenetic location: 14q24.3.
Variant type: single nucleotide variant.
Coding change: c.232G>C on transcript NM_013382.7 (MANE Select); coding-DNA position 232, G replaced by C.
Protein change: p.Glu78Gln; replaces glutamic acid 78 with glutamine.
Molecular consequence: missense variant.
Genome position (GRCh38, 1-based): chr14:77,320,450, C>G on the plus strand (G>C on the coding strand, the complement: POMT2 is on the minus strand). VCF-style: chr14-77320450-C-G. GRCh37 (hg19) VCF-style: chr14-77786793-C-G.
Identifiers: ClinVar variation 95541 (VCV000095541.54), dbSNP rs151103906, ClinGen allele CA223080.